The following is an entry in ClinVar:

ClinVar aggregate classification (germline): Benign. Review status: criteria provided, single submitter (1 of 4 stars). 2 submissions from 2 submitters: Benign (1). 1 of the submissions does not count toward it. Last evaluated 2018-06-10.

Conditions:
ALDH2-related disorder. Also called: ALDH2-related condition.

Allele frequency attached by ClinVar (database versions not stated): gnomAD 0.00005 and 0.00006; gnomAD exomes 0.00013 and 0.00062; 1000 Genomes Project 30x 0.00016; 1000 Genomes Project 0.00020; TOPMed 0.00031; ExAC 0.00053.

Submissions (2):

Labcorp Genetics (formerly Invitae), Labcorp
Classification: Benign. Last evaluated: 2018-06-10. Review status: criteria provided, single submitter. Criteria: Invitae Variant Classification Sherloc (09022015). Collection method: clinical testing. Allele origin: germline.

PreventionGenetics, part of Exact Sciences
Classification: Benign for ALDH2-related condition. Last evaluated: 2019-10-29. Review status: no assertion criteria provided. Collection method: clinical testing. Allele origin: germline. Not counted in ClinVar's aggregate classification.
Comment: This variant is classified as benign based on ACMG/AMP sequence variant interpretation guidelines (Richards et al. 2015 PMID: 25741868, with internal and published modifications).

NM_000690.4(ALDH2):c.1464G>A (p.Ser488=)

Gene: ALDH2 (aldehyde dehydrogenase 2 family member; plus strand). Cytogenetic location: 12q24.12.
Variant type: single nucleotide variant.
Coding change: c.1464G>A on transcript NM_000690.4 (MANE Select); coding-DNA position 1464, G replaced by A.
Protein change: p.Ser488=; no amino-acid change (serine 488 retained).
Molecular consequence: synonymous variant.
Genome position (GRCh38, 1-based): chr12:111,803,916, G>A. VCF-style: chr12-111803916-G-A. GRCh37 (hg19) VCF-style: chr12-112241720-G-A.
Other names: c.1323G>A, p.Ser441= (NM_001204889.2).
Identifiers: ClinVar variation 778989 (VCV000778989.5), dbSNP rs190914158, ClinGen allele CA6793244.